The following is an entry in ClinVar:

NM_024652.6(LRRK1):c.2278G>A (p.Asp760Asn)

Gene: LRRK1 (leucine rich repeat kinase 1; plus strand). Cytogenetic location: 15q26.3.
Variant type: single nucleotide variant.
Coding change: c.2278G>A on transcript NM_024652.6 (MANE Select); coding-DNA position 2278, G replaced by A.
Protein change: p.Asp760Asn; replaces aspartic acid 760 with asparagine.
Molecular consequence: missense variant.
Genome position (GRCh38, 1-based): chr15:101,026,010, G>A. VCF-style: chr15-101026010-G-A. GRCh37 (hg19) VCF-style: chr15-101566215-G-A.
Other names: short protein forms D760N.
Identifiers: ClinVar variation 2095470 (VCV002095470.1), dbSNP rs2034011945, ClinGen allele CA393965195.

ClinVar aggregate classification (germline): Uncertain significance (1 of 4 stars; one submission).

Allele frequency attached by ClinVar (database versions not stated): gnomAD exomes below 0.00001; TOPMed below 0.00001.
gnomAD v4.1: 1 of 1,614,268 alleles (0.000062%); highest among the groups gnomAD compares: Non-Finnish European, 0.000085%; no homozygotes.

Submission:

Labcorp Genetics (formerly Invitae), Labcorp
Classification: Uncertain significance. Last evaluated: 2022-02-09. Review status: criteria provided, single submitter. Criteria: Invitae Variant Classification Sherloc (09022015). Collection method: clinical testing. Allele origin: germline.
Comment: This sequence change replaces aspartic acid, which is acidic and polar, with asparagine, which is neutral and polar, at codon 760 of the LRRK1 protein (p.Asp760Asn). This variant is not present in population databases (gnomAD no frequency). This variant has not been reported in the literature in individuals affected with LRRK1-related conditions. Algorithms developed to predict the effect of missense changes on protein structure and function are either unavailable or do not agree on the potential impact of this missense change (SIFT: "Deleterious"; PolyPhen-2: "Probably Damaging"; Align-GVGD: "Class C0"). In summary, the available evidence is currently insufficient to determine the role of this variant in disease. Therefore, it has been classified as a Variant of Uncertain Significance.